The following is an entry in ClinVar:

ClinVar aggregate classification (germline): Uncertain significance (1 of 4 stars; one submission).

Conditions:
Brugada syndrome. Also called: Sudden unexpected nocturnal death syndrome; Sudden unexplained nocturnal death syndrome; Sudden Unexplained Death Syndrome; Sudden Unexplained Nocturnal Death Syndrome (SUNDS). Identifiers: Orphanet 130, MedGen C1142166, MONDO:0015263.

Submission:

Labcorp Genetics (formerly Invitae), Labcorp
Classification: Uncertain significance for Brugada syndrome. Last evaluated: 2020-03-03. Review status: criteria provided, single submitter. Criteria: Invitae Variant Classification Sherloc (09022015). Collection method: clinical testing. Allele origin: germline.
Comment: Algorithms developed to predict the effect of missense changes on protein structure and function (SIFT, PolyPhen-2, Align-GVGD) all suggest that this variant is likely to be tolerated, but these predictions have not been confirmed by published functional studies and their clinical significance is uncertain. This variant has not been reported in the literature in individuals with SCN10A-related conditions. This variant is not present in population databases (ExAC no frequency). This sequence change replaces serine with glycine at codon 1737 of the SCN10A protein (p.Ser1737Gly). The serine residue is moderately conserved and there is a small physicochemical difference between serine and glycine. In summary, the available evidence is currently insufficient to determine the role of this variant in disease. Therefore, it has been classified as a Variant of Uncertain Significance. Algorithms developed to predict the effect of sequence changes on RNA splicing suggest that this variant may create or strengthen a splice site, but this prediction has not been confirmed by published transcriptional studies.

NM_006514.4(SCN10A):c.5209A>G (p.Ser1737Gly)

Gene: SCN10A (sodium voltage-gated channel alpha subunit 10; minus strand). Cytogenetic location: 3p22.2.
Variant type: single nucleotide variant.
Coding change: c.5209A>G on transcript NM_006514.4 (MANE Select); coding-DNA position 5209, A replaced by G.
Protein change: p.Ser1737Gly; replaces serine 1737 with glycine.
Molecular consequence: missense variant.
Genome position (GRCh38, 1-based): chr3:38,698,011, T>C on the plus strand (A>G on the coding strand, the complement: SCN10A is on the minus strand). VCF-style: chr3-38698011-T-C. GRCh37 (hg19) VCF-style: chr3-38739502-T-C.
Other names: c.5206A>G, p.Ser1736Gly (NM_001293306.2); c.4915A>G, p.Ser1639Gly (NM_001293307.2); short protein forms S1736G, S1639G, S1737G.
Identifiers: ClinVar variation 1038244 (VCV001038244.5), dbSNP rs2063113172, ClinGen allele CA352154273.